The following is an entry in ClinVar:

ClinVar aggregate classification (germline): Uncertain significance (1 of 4 stars; one submission).

Submission:

Labcorp Genetics (formerly Invitae), Labcorp
Classification: Uncertain significance. Last evaluated: 2023-02-09. Review status: criteria provided, single submitter. Criteria: Invitae Variant Classification Sherloc (09022015). Collection method: clinical testing. Allele origin: germline.
Comment: This variant is present in population databases (rs777911483, gnomAD 0.006%). This sequence change falls in intron 17 of the CACNA1E gene. It does not directly change the encoded amino acid sequence of the CACNA1E protein. This variant has not been reported in the literature in individuals affected with CACNA1E-related conditions. In summary, the available evidence is currently insufficient to determine the role of this variant in disease. Therefore, it has been classified as a Variant of Uncertain Significance. Algorithms developed to predict the effect of sequence changes on RNA splicing suggest that this variant may create or strengthen a splice site.

NM_001205293.3(CACNA1E):c.2143-7T>G

Gene: CACNA1E (calcium voltage-gated channel subunit alpha1 E; plus strand). Cytogenetic location: 1q25.3.
Variant type: single nucleotide variant.
Coding change: c.2143-7T>G on transcript NM_001205293.3 (MANE Select); 7 bases into the intron before coding-DNA position 2143, T replaced by G.
Molecular consequence: intron variant.
Genome position (GRCh38, 1-based): chr1:181,726,058, T>G. VCF-style: chr1-181726058-T-G. GRCh37 (hg19) VCF-style: chr1-181695194-T-G.
Other names: c.2143-7T>G (NM_000721.4, NM_001205294.2).
Identifiers: ClinVar variation 2969702 (VCV002969702.3), dbSNP rs777911483, ClinGen allele CA1275277.